The following is an entry in ClinVar:

ClinVar aggregate classification (germline): Conflicting classifications of pathogenicity. Review status: criteria provided, conflicting classifications (1 of 4 stars). 2 submissions from 2 submitters: Uncertain significance (1); Likely benign (1). Last evaluated 2025-08-01.

Allele frequency attached by ClinVar (database versions not stated): TOPMed 0.00011; ESP Exome Variant Server 0.00015; gnomAD 0.00020; gnomAD exomes 0.00031; ExAC 0.00063; 1000 Genomes Project 30x 0.00094; 1000 Genomes Project 0.00120.
gnomAD v4.1: 485 of 1,603,850 alleles (0.03%); highest among the groups gnomAD compares: South Asian, 0.43%; 4 homozygotes.

Submissions (2):

CeGaT Center for Human Genetics Tuebingen
Classification: Likely benign. Last evaluated: 2025-08-01. Review status: criteria provided, single submitter. Criteria: CeGaT Center For Human Genetics Tuebingen Variant Classification Criteria Version 2. Collection method: clinical testing. Allele origin: germline. Affected: yes. Observed: 3 variant alleles.
Comment: KDM5B: BP4

Women's Health and Genetics/Laboratory Corporation of America, LabCorp
Classification: Uncertain significance. Last evaluated: 2023-05-04. Review status: criteria provided, single submitter. Criteria: LabCorp Variant Classification Summary - May 2015. Collection method: clinical testing. Allele origin: germline.
Comment: Variant summary: JARID1B c.1822-3C>T alters a conserved nucleotide located close to a canonical splice site and therefore could affect mRNA splicing, leading to a significantly altered protein sequence. 4/4 computational tools predict no significant impact on normal splicing. However, these predictions have yet to be confirmed by functional studies. The variant allele was found at a frequency of 0.00054 in 272248 control chromosomes, predominantly at a frequency of 0.0044 within the South Asian subpopulation in the gnomAD database, including 1 homozygote (gnomAD v2.1). The available data on variant occurrences in the general population are insufficient to allow any conclusion about variant significance. To our knowledge, no occurrence of c.1822-3C>T in individuals affected with Intellectual Disability, Autosomal Recessive 65 and no experimental evidence demonstrating its impact on protein function have been reported. No clinical diagnostic laboratories have submitted clinical-significance assessments for this variant to ClinVar after 2014. Based on the evidence outlined above, the variant was classified as uncertain significance.

NM_006618.5(KDM5B):c.1822-3C>T

Gene: KDM5B (lysine demethylase 5B; minus strand). Cytogenetic location: 1q32.1.
Variant type: single nucleotide variant.
Coding change: c.1822-3C>T on transcript NM_006618.5 (MANE Select); 3 bases into the intron before coding-DNA position 1822, C replaced by T.
Molecular consequence: intron variant.
Genome position (GRCh38, 1-based): chr1:202,749,142, G>A on the plus strand (C>T on the coding strand, the complement: KDM5B is on the minus strand). VCF-style: chr1-202749142-G-A. GRCh37 (hg19) VCF-style: chr1-202718270-G-A.
Other names: c.1807-3C>T (NM_001399817.1); c.1687-3C>T (NM_001347591.2); c.1930-3C>T (NM_001314042.2).
Identifiers: ClinVar variation 2506330 (VCV002506330.25), dbSNP rs371073356, ClinGen allele CA1334602.